The following is an entry in ClinVar:

NM_001040142.2(SCN2A):c.4217A>T (p.Asp1406Val)

Gene: SCN2A (sodium voltage-gated channel alpha subunit 2; plus strand). Cytogenetic location: 2q24.3.
Variant type: single nucleotide variant.
Coding change: c.4217A>T on transcript NM_001040142.2 (MANE Select); coding-DNA position 4217, A replaced by T.
Protein change: p.Asp1406Val; replaces aspartic acid 1406 with valine.
Molecular consequence: missense variant.
Genome position (GRCh38, 1-based): chr2:165,374,929, A>T. VCF-style: chr2-165374929-A-T. GRCh37 (hg19) VCF-style: chr2-166231439-A-T.
Other names: c.4217A>T, p.Asp1406Val (NM_001040143.2, NM_001371246.1, NM_001371247.1 and 1 more transcripts); short protein forms D1406V.
Identifiers: ClinVar variation 4857436 (VCV004857436.1).
Genomic context (GRCh38, chr2:165,374,929, plus strand): 5'-GCAAAGCTCTCATTGAGAGCAATCAAACTGCCAGGTGGAAAAATGTGAAAGTAAACTTTG[A>T]TAACGTAGGACTTGGATATCTGTCTCTACTTCAAGTAGTAAGTAATCACTTTATTATTTT-3'
Protein context (NP_001035232.1, residues 1396-1416): ARWKNVKVNF[Asp1406Val]NVGLGYLSLL

ClinVar aggregate classification (germline): Uncertain significance (1 of 4 stars; one submission).

Conditions:
Developmental and epileptic encephalopathy, 11 (DEE11). Also called: Early infantile epileptic encephalopathy 11. Identifiers: Orphanet 1934, MedGen C3150987, MONDO:0013388, OMIM 613721.

Submission:

Institute of Human Genetics, University of Leipzig Medical Center
Classification: Uncertain significance for Developmental and epileptic encephalopathy, 11. Last evaluated: 2026-05-28. Review status: criteria provided, single submitter. Criteria: ACMG Guidelines, 2015. Collection method: clinical testing. Allele origin: unknown. Inheritance: Autosomal dominant inheritance. Affected: yes.
Comment: Criteria applied: PM5,PP3_MOD,PM2_SUP